The following is an entry in ClinVar:

ClinVar aggregate classification (germline): Uncertain significance (1 of 4 stars; one submission).

Conditions:
Inborn genetic diseases. Identifiers: MedGen C0950123, MeSH D030342.

gnomAD v4.1: 2 of 1,613,848 alleles (0.00012%); highest among the groups gnomAD compares: Non-Finnish European, 0.00017%; no homozygotes.

Submission:

Ambry Genetics
Classification: Uncertain significance for Inborn genetic diseases. Last evaluated: 2025-05-24. Review status: criteria provided, single submitter. Criteria: Ambry Variant Classification Scheme 2023. Collection method: clinical testing. Allele origin: germline.
Comment: The p.G1139R variant (also known as c.3415G>A), located in coding exon 1 of the SAMD9 gene, results from a G to A substitution at nucleotide position 3415. The glycine at codon 1139 is replaced by arginine, an amino acid with dissimilar properties. This amino acid position is conserved. In addition, this alteration is predicted to be tolerated by in silico analysis. Based on the available evidence, the clinical significance of this variant remains unclear.

NM_017654.4(SAMD9):c.3415G>A (p.Gly1139Arg)

Gene: SAMD9 (sterile alpha motif domain containing 9; minus strand). Cytogenetic location: 7q21.2.
Variant type: single nucleotide variant.
Coding change: c.3415G>A on transcript NM_017654.4 (MANE Select); coding-DNA position 3415, G replaced by A.
Protein change: p.Gly1139Arg; replaces glycine 1139 with arginine.
Molecular consequence: missense variant.
Genome position (GRCh38, 1-based): chr7:93,102,683, C>T on the plus strand (G>A on the coding strand, the complement: SAMD9 is on the minus strand). VCF-style: chr7-93102683-C-T. GRCh37 (hg19) VCF-style: chr7-92731996-C-T.
Other names: c.3415G>A, p.Gly1139Arg (NM_001193307.2); short protein forms G1139R.
Identifiers: ClinVar variation 3949670 (VCV003949670.1).
Genomic context (GRCh38, chr7:93,102,683, plus strand): 5'-CATGTTCTGCTAAATCCAAAAGAGCAATTAGATCATCAACTGAAATGTTCCCGTTTCCTC[C>T]GTTTTCCTCTATCCACCATCTTATTTTACTTTTGTAGACTTGACCCAGTGTATCTGAGAT-3'
Protein context (NP_060124.2, residues 1129-1149): SKIRWWIEEN[Gly1139Arg]GNGNISVDDL